The following is an entry in ClinVar:

NM_000069.3(CACNA1S):c.2749G>A (p.Val917Met)

Gene: CACNA1S (calcium voltage-gated channel subunit alpha1 S; minus strand). Cytogenetic location: 1q32.1.
Variant type: single nucleotide variant.
Coding change: c.2749G>A on transcript NM_000069.3 (MANE Select); coding-DNA position 2749, G replaced by A.
Protein change: p.Val917Met; replaces valine 917 with methionine.
Molecular consequence: missense variant.
Genome position (GRCh38, 1-based): chr1:201,065,942, C>T on the plus strand (G>A on the coding strand, the complement: CACNA1S is on the minus strand). VCF-style: chr1-201065942-C-T. GRCh37 (hg19) VCF-style: chr1-201035070-C-T.
Other names: short protein forms V917M.
Identifiers: ClinVar variation 976293 (VCV000976293.10), dbSNP rs751833750, ClinGen allele CA079270.

ClinVar aggregate classification (germline): Uncertain significance. Review status: criteria provided, multiple submitters, no conflicts (2 of 4 stars). 8 submissions from 5 submitters: Uncertain significance (8). Last evaluated 2024-11-12.

Conditions:
Congenital myopathy 18. Also called: Myopathy, congenital, due to dihydropyridine receptor defect; DIHYDROPYRIDINE RECEPTOR CONGENITAL MYOPATHY; DHPR CONGENITAL MYOPATHY. Identifiers: MedGen C5830283, MONDO:0859514, OMIM 620246.
Hypokalemic periodic paralysis, type 1. Also called: HypoPP; Hypokalemic Periodic Paralysis Type 1 (AD). Identifiers: Orphanet 681, MedGen C3714580, MONDO:0042979, OMIM 170400.
Thyrotoxic periodic paralysis, susceptibility to, 1 (TTPP1). Identifiers: Orphanet 79102, MedGen C2749982, MONDO:0008570, OMIM 188580.
Malignant hyperthermia, susceptibility to, 5 (MHS5). Also called: CACNA1S-Related Malignant Hyperthermia Susceptibility. Identifiers: Orphanet 423, MedGen C1866077, MONDO:0011163, OMIM 601887.

Allele frequency attached by ClinVar (database versions not stated): ExAC 0.00001; gnomAD 0.00002 and 0.00003; gnomAD exomes 0.00002; TOPMed 0.00002.
gnomAD v4.1: 27 of 1,607,584 alleles (0.0017%); highest among the groups gnomAD compares: African/African-American, 0.0053%; no homozygotes.

Submissions (8):

Labcorp Genetics (formerly Invitae), Labcorp
Classification: Uncertain significance for Hypokalemic periodic paralysis, type 1; Malignant hyperthermia, susceptibility to, 5. Last evaluated: 2024-11-12. Review status: criteria provided, single submitter. Criteria: Invitae Variant Classification Sherloc (09022015). Collection method: clinical testing. Allele origin: germline.
Comment: This sequence change replaces valine, which is neutral and non-polar, with methionine, which is neutral and non-polar, at codon 917 of the CACNA1S protein (p.Val917Met). This variant is present in population databases (rs751833750, gnomAD 0.007%). This variant has not been reported in the literature in individuals affected with CACNA1S-related conditions. ClinVar contains an entry for this variant (Variation ID: 976293). Invitae Evidence Modeling of protein sequence and biophysical properties (such as structural, functional, and spatial information, amino acid conservation, physicochemical variation, residue mobility, and thermodynamic stability) has been performed for this missense variant. However, the output from this modeling did not meet the statistical confidence thresholds required to predict the impact of this variant on CACNA1S protein function. In summary, the available evidence is currently insufficient to determine the role of this variant in disease. Therefore, it has been classified as a Variant of Uncertain Significance.

All of Us Research Program, National Institutes of Health
Classification: Uncertain significance for Malignant hyperthermia, susceptibility to, 5. Last evaluated: 2024-02-05. Review status: criteria provided, single submitter. Criteria: ACMG Guidelines, 2015. Collection method: clinical testing. Allele origin: germline. Inheritance: Autosomal dominant inheritance. Observed: 4 variant alleles, 4 heterozygotes.
Comment: This missense variant replaces valine with methionine at codon 917 of the CACNA1S protein. Computational prediction suggests that this variant may have deleterious impact on protein structure and function (internally defined REVEL score threshold >= 0.7, PMID: 27666373). To our knowledge, functional studies have not been reported for this variant. This variant has not been reported in individuals affected with CACNA1S-related disorders in the literature. This variant has been identified in 4/247568 chromosomes in the general population by the Genome Aggregation Database (gnomAD). The available evidence is insufficient to determine the role of this variant in disease conclusively. Therefore, this variant is classified as a Variant of Uncertain Significance.

This study involves interpretation of variants in research participants for the purpose of population health screening. Participant phenotype was not available at the time of variant classification. Additional details can be found in publication PMID: 35346344, PMCID: PMC8962531

Genome-Nilou Lab
Classification: Uncertain significance for Malignant hyperthermia, susceptibility to, 5. Last evaluated: 2023-04-11. Review status: criteria provided, single submitter. Criteria: ACMG Guidelines, 2015. Collection method: clinical testing. Allele origin: germline. Affected: no.

Genome-Nilou Lab
Classification: Uncertain significance for Thyrotoxic periodic paralysis, susceptibility to, 1. Last evaluated: 2023-04-11. Review status: criteria provided, single submitter. Criteria: ACMG Guidelines, 2015. Collection method: clinical testing. Allele origin: germline. Affected: no.

Genome-Nilou Lab
Classification: Uncertain significance for Congenital myopathy 18. Last evaluated: 2023-04-11. Review status: criteria provided, single submitter. Criteria: ACMG Guidelines, 2015. Collection method: clinical testing. Allele origin: germline. Affected: no.

Genome-Nilou Lab
Classification: Uncertain significance for Hypokalemic periodic paralysis, type 1. Last evaluated: 2023-04-11. Review status: criteria provided, single submitter. Criteria: ACMG Guidelines, 2015. Collection method: clinical testing. Allele origin: germline. Affected: no.

Fulgent Genetics
Classification: Uncertain significance for Hypokalemic periodic paralysis, type 1; Thyrotoxic periodic paralysis, susceptibility to, 1; Malignant hyperthermia, susceptibility to, 5. Last evaluated: 2021-07-20. Review status: criteria provided, single submitter. Criteria: ACMG Guidelines, 2015. Collection method: clinical testing. Allele origin: unknown.

Institute of Human Genetics, University of Leipzig Medical Center
Classification: Uncertain significance for Hypokalemic periodic paralysis, type 1. Last evaluated: 2019-03-15. Review status: criteria provided, single submitter. Criteria: ACMG Guidelines, 2015. Collection method: clinical testing. Allele origin: germline. Affected: yes. Observed: 1 variant allele.